The following is an entry in ClinVar:

ClinVar aggregate classification (germline): Uncertain significance. Review status: criteria provided, multiple submitters, no conflicts (2 of 4 stars). 2 submissions from 2 submitters: Uncertain significance (2). Last evaluated 2022-03-18.

Conditions:
Nemaline myopathy 5 (NEM5A). Also called: NEMALINE MYOPATHY 5A, AUTOSOMAL RECESSIVE, SEVERE INFANTILE; Nemaline myopathy 5, Amish type; NEMALINE MYOPATHY, AMISH TYPE. Identifiers: Orphanet 98902, MedGen C1854380, MONDO:0011539, OMIM 605355.

Allele frequency attached by ClinVar (database versions not stated): gnomAD 0.00001; ExAC 0.00002; gnomAD exomes 0.00002 and 0.00006; TOPMed 0.00002.

Submissions (2):

Labcorp Genetics (formerly Invitae), Labcorp
Classification: Uncertain significance for Nemaline myopathy 5. Last evaluated: 2022-03-18. Review status: criteria provided, single submitter. Criteria: Invitae Variant Classification Sherloc (09022015). Collection method: clinical testing. Allele origin: germline.
Comment: This sequence change replaces arginine, which is basic and polar, with tryptophan, which is neutral and slightly polar, at codon 179 of the TNNT1 protein (p.Arg179Trp). This variant is present in population databases (rs757227738, gnomAD 0.006%). This variant has not been reported in the literature in individuals affected with TNNT1-related conditions. ClinVar contains an entry for this variant (Variation ID: 465996). Algorithms developed to predict the effect of missense changes on protein structure and function are either unavailable or do not agree on the potential impact of this missense change (SIFT: "Deleterious"; PolyPhen-2: "Benign"; Align-GVGD: "Class C0"). In summary, the available evidence is currently insufficient to determine the role of this variant in disease. Therefore, it has been classified as a Variant of Uncertain Significance.

Illumina Laboratory Services, Illumina
Classification: Uncertain significance for Nemaline myopathy 5. Last evaluated: 2018-01-12. Review status: criteria provided, single submitter. Criteria: ICSL Variant Classification Criteria 13 December 2019. Collection method: clinical testing. Allele origin: germline.

NM_003283.6(TNNT1):c.535C>T (p.Arg179Trp)

Gene: TNNT1 (troponin T1, slow skeletal type; minus strand). Cytogenetic location: 19q13.42.
Variant type: single nucleotide variant.
Coding change: c.535C>T on transcript NM_003283.6 (MANE Select); coding-DNA position 535, C replaced by T.
Protein change: p.Arg179Trp; replaces arginine 179 with tryptophan.
Molecular consequence: missense variant.
Genome position (GRCh38, 1-based): chr19:55,137,179, G>A on the plus strand (C>T on the coding strand, the complement: TNNT1 is on the minus strand). VCF-style: chr19-55137179-G-A. GRCh37 (hg19) VCF-style: chr19-55648547-G-A.
Other names: c.535C>T, p.Arg179Trp (NM_001126132.3); c.502C>T, p.Arg168Trp (NM_001126133.3, NM_001291774.2); short protein forms R179W, R168W.
Identifiers: ClinVar variation 465996 (VCV000465996.11), dbSNP rs757227738, ClinGen allele CA9667379.